The following is an entry in ClinVar:

NM_001386393.1(PANK2):c.-21G>T

Genes: PANK2 (pantothenate kinase 2; plus strand), LOC130065345 (ATAC-STARR-seq lymphoblastoid silent region 12635; plus strand). Cytogenetic location: 20p13.
Variant type: single nucleotide variant.
Coding change: c.-21G>T on transcript NM_001386393.1 (MANE Select); 21 bases upstream of the start codon, G replaced by T.
Molecular consequence: 5 prime UTR variant. On other transcripts: nonsense (2), non-coding transcript variant (1), intron variant (1).
Genome position (GRCh38, 1-based): chr20:3,889,410, G>T. VCF-style: chr20-3889410-G-T. GRCh37 (hg19) VCF-style: chr20-3870057-G-T.
Other names: c.-732G>T (NM_001324191.2); c.310G>T, p.Glu104Ter (NM_001324192.1, NM_153638.4); c.-246+506G>T (NM_024960.6); short protein forms E104*.
Identifiers: ClinVar variation 284671 (VCV000284671.7), dbSNP rs780551883, ClinGen allele CA10604867.

ClinVar aggregate classification (germline): Pathogenic/Likely pathogenic. Review status: criteria provided, multiple submitters, no conflicts (2 of 4 stars). 3 submissions from 3 submitters: Pathogenic (1); Likely pathogenic (2). Last evaluated 2024-06-11.

Conditions:
PANK2-related disorder. Also called: PANK2-related condition.
Pigmentary pallidal degeneration (NBIA1). Also called: Pantothenate Kinase-Associated Neurodegeneration; Neurodegeneration with brain iron accumulation 1; HARP SYNDROME; Neuroaxonal dystrophy, late infantile; Hallervorden-Spatz disease; PKAN NEUROAXONAL DYSTROPHY, JUVENILE-ONSET. Identifiers: Orphanet 157850, MedGen C0018523, MONDO:0009319, OMIM 234200.

gnomAD v4.1: 4 of 1,571,490 alleles (0.00025%); highest among the groups gnomAD compares: East Asian, 0.0047%; no homozygotes.

Submissions (3):

Blueprint Genetics
Classification: Likely pathogenic for PANK2-related disorders. Last evaluated: 2024-06-11. Review status: criteria provided, single submitter. Criteria: ACMG Guidelines, 2015. Collection method: clinical testing. Allele origin: germline. Affected: yes. Observed: 4 variant alleles.

Women's Health and Genetics/Laboratory Corporation of America, LabCorp
Classification: Likely pathogenic for Pigmentary pallidal degeneration. Last evaluated: 2022-11-29. Review status: criteria provided, single submitter. Criteria: LabCorp Variant Classification Summary - May 2015. Collection method: clinical testing. Allele origin: germline.
Comment: Variant summary: PANK2 c.310G>T (p.Glu104X; NM_153638.3) results in a premature termination codon within exon 1, predicted to cause a truncation of the encoded protein or absence of the protein due to nonsense mediated decay, which are commonly known mechanisms for disease. This variant is located in the 5-prime untranslated region of other PANK2 transcripts. The PANK2 protein translated from the most 5-prime start encodes a precursor protein consisting of 570 residues, which is sequentially cleaved by peptidase(s) to initially yield a transient intermediate protein (cleavage between residues 31 and 32), and finally a 48-kDa mature protein (cleavage between residues 140 and 141) (PMIDs: 15659606, 16272150). To our knowledge, truncation variants upstream or in close proximity to p.Glu104X have not been reported in patients in the literature, while missense variants within this region are cited in online databases as VUS or likely benign/benign. While the variant is not located within the region of the mature PANK2 protein, it is nevertheless located in the region translating to the precursor protein, and it would still be expected to result in truncation of the encoded protein or absence of the protein due to nonsense mediated decay, as pertaining to the NM_153638.3 transcript. Truncations downstream of this position have been classified as pathogenic by our laboratory. The variant was absent in 178494 control chromosomes (gnomAD). To our knowledge, no occurrence of c.310G>T in individuals affected with Pantothenate Kinase-Associated Neurodegeneration and no experimental evidence demonstrating its impact on protein function have been reported. A ClinVar submitter (evaluation after 2014) cites the variant as pathogenic. Based on the evidence outlined above, the variant was classified as likely pathogenic.

Eurofins Ntd Llc (ga)
Classification: Pathogenic. Last evaluated: 2015-11-16. Review status: criteria provided, single submitter. Criteria: EGL Classification Definitions 2015. Collection method: clinical testing. Allele origin: germline. Observed: 1 variant allele, 1 heterozygote.